The following is an entry in ClinVar:

ClinVar aggregate classification (germline): Uncertain significance (1 of 4 stars; one submission).

Allele frequency attached by ClinVar (database versions not stated): gnomAD exomes 0.00001; TOPMed 0.00002.
gnomAD v4.1: 2 of 1,506,572 alleles (0.00013%); highest among the groups gnomAD compares: Non-Finnish European, 0.00018%; no homozygotes.

Submission:

Genetic Services Laboratory, University of Chicago
Classification: Uncertain significance. Last evaluated: 2021-08-11. Review status: criteria provided, single submitter. Criteria: ACMG Guidelines, 2015. Collection method: clinical testing. Allele origin: germline. Affected: no.
Comment: DNA sequence analysis of the DIS3 gene demonstrated a sequence change in intron 1, c.228+3G>A. This sequence change has been described in the gnomAD database in one heterozygous individual which corresponds to a population frequency of 0.0008% (dbSNP rs1401219257). This sequence change is not clearly predicted to have a deleterious effect on splicing based on in silico splice prediction programs. This sequence change does not appear to have been previously described in individuals with DIS3-related disorders. The functional significance of this sequence change is not known at present and its contribution to this individual's disease phenotype cannot definitively be determined.

NM_014953.5(DIS3):c.228+3G>A

Gene: DIS3 (DIS3 homolog, exosome endoribonuclease and 3'-5' exoribonuclease; minus strand). Cytogenetic location: 13q21.33.
Variant type: single nucleotide variant.
Coding change: c.228+3G>A on transcript NM_014953.5 (MANE Select); 3 bases into the intron after coding-DNA position 228, G replaced by A.
Molecular consequence: intron variant.
Genome position (GRCh38, 1-based): chr13:72,781,602, C>T on the plus strand (G>A on the coding strand, the complement: DIS3 is on the minus strand). VCF-style: chr13-72781602-C-T. GRCh37 (hg19) VCF-style: chr13-73355740-C-T.
Other names: c.17+3G>A (NM_001322348.2); c.228+3G>A (NM_001128226.3); c.-327+3G>A (NM_001322349.2).
Identifiers: ClinVar variation 1338045 (VCV001338045.4), dbSNP rs1401219257, ClinGen allele CA610562163.